The following is an entry in ClinVar:

NM_004104.5(FASN):c.4396G>A (p.Gly1466Arg)

Gene: FASN (fatty acid synthase; minus strand). Cytogenetic location: 17q25.3.
Variant type: single nucleotide variant.
Coding change: c.4396G>A on transcript NM_004104.5 (MANE Select); coding-DNA position 4396, G replaced by A.
Protein change: p.Gly1466Arg; replaces glycine 1466 with arginine.
Molecular consequence: missense variant.
Genome position (GRCh38, 1-based): chr17:82,085,048, C>T on the plus strand (G>A on the coding strand, the complement: FASN is on the minus strand). VCF-style: chr17-82085048-C-T. GRCh37 (hg19) VCF-style: chr17-80042924-C-T.
Other names: short protein forms G1466R.
Identifiers: ClinVar variation 1052407 (VCV001052407.9), dbSNP rs765227044, ClinGen allele CA8852070.

ClinVar aggregate classification (germline): Uncertain significance (1 of 4 stars; one submission).

Conditions:
Epileptic encephalopathy. Identifiers: MedGen C0543888, HP:0200134.

Allele frequency attached by ClinVar (database versions not stated): gnomAD exomes below 0.00001; ExAC 0.00001.
gnomAD v4.1: 1 of 1,611,312 alleles (0.000062%); no homozygotes.

Submission:

Labcorp Genetics (formerly Invitae), Labcorp
Classification: Uncertain significance for Epileptic encephalopathy. Last evaluated: 2020-09-01. Review status: criteria provided, single submitter. Criteria: Invitae Variant Classification Sherloc (09022015). Collection method: clinical testing. Allele origin: germline.
Comment: This sequence change replaces glycine with arginine at codon 1466 of the FASN protein (p.Gly1466Arg). The glycine residue is highly conserved and there is a moderate physicochemical difference between glycine and arginine. This variant is present in population databases (rs765227044, ExAC 0.002%). This variant has not been reported in the literature in individuals with FASN-related conditions. Algorithms developed to predict the effect of missense changes on protein structure and function (SIFT, PolyPhen-2, Align-GVGD) all suggest that this variant is likely to be tolerated, but these predictions have not been confirmed by published functional studies and their clinical significance is uncertain. In summary, the available evidence is currently insufficient to determine the role of this variant in disease. Therefore, it has been classified as a Variant of Uncertain Significance.